The following is an entry in ClinVar:

ClinVar aggregate classification (germline): Uncertain significance (1 of 4 stars; one submission).

Allele frequency attached by ClinVar (database versions not stated): gnomAD exomes 0.00014.
gnomAD v4.1: 190 of 1,433,222 alleles (0.013%); highest among the groups gnomAD compares: Non-Finnish European, 0.016%; no homozygotes.

Submission:

Labcorp Genetics (formerly Invitae), Labcorp
Classification: Uncertain significance. Last evaluated: 2022-08-01. Review status: criteria provided, single submitter. Criteria: Invitae Variant Classification Sherloc (09022015). Collection method: clinical testing. Allele origin: germline.
Comment: This sequence change replaces valine, which is neutral and non-polar, with methionine, which is neutral and non-polar, at codon 31 of the CIB1 protein (p.Val31Met). This variant is present in population databases (rs779349877, gnomAD 0.03%). This variant has not been reported in the literature in individuals affected with CIB1-related conditions. ClinVar contains an entry for this variant (Variation ID: 1384423). Algorithms developed to predict the effect of missense changes on protein structure and function output the following: SIFT: "Deleterious"; PolyPhen-2: "Not Available"; Align-GVGD: "Class C0". The methionine amino acid residue is found in multiple mammalian species, which suggests that this missense change does not adversely affect protein function. In summary, the available evidence is currently insufficient to determine the role of this variant in disease. Therefore, it has been classified as a Variant of Uncertain Significance.

NM_006384.4(CIB1):c.87-116G>A

Gene: CIB1 (calcium and integrin binding 1; minus strand). Cytogenetic location: 15q26.1.
Variant type: single nucleotide variant.
Coding change: c.87-116G>A on transcript NM_006384.4 (MANE Select); 116 bases into the intron before coding-DNA position 87, G replaced by A.
Molecular consequence: intron variant. On other transcripts: missense variant (1).
Genome position (GRCh38, 1-based): chr15:90,232,443, C>T on the plus strand (G>A on the coding strand, the complement: CIB1 is on the minus strand). VCF-style: chr15-90232443-C-T. GRCh37 (hg19) VCF-style: chr15-90775675-C-T.
Other names: c.91G>A, p.Val31Met (NM_001277764.2); short protein forms V31M.
Identifiers: ClinVar variation 1384423 (VCV001384423.5), dbSNP rs779349877, ClinGen allele CA274661168.